The following is an entry in ClinVar:

ClinVar aggregate classification (germline): Uncertain significance (1 of 4 stars; one submission).

gnomAD v4.1: 2 of 1,614,192 alleles (0.00012%); highest among the groups gnomAD compares: Admixed American, 0.0017%; no homozygotes.

Submission:

Ambry Genetics
Classification: Uncertain significance. Last evaluated: 2022-06-21. Review status: criteria provided, single submitter. Criteria: Ambry Variant Classification Scheme 2023. Collection method: clinical testing. Allele origin: germline.
Comment: The p.D1104H variant (also known as c.3310G>C), located in coding exon 4 of the ALPK2 gene, results from a G to C substitution at nucleotide position 3310. The aspartic acid at codon 1104 is replaced by histidine, an amino acid with similar properties. This amino acid position is conserved. In addition, this alteration is predicted to be tolerated by in silico analysis. Since supporting evidence is limited at this time, the clinical significance of this alteration remains unclear.

NM_052947.4(ALPK2):c.3310G>C (p.Asp1104His)

Gene: ALPK2 (alpha kinase 2; minus strand). Cytogenetic location: 18q21.31.
Variant type: single nucleotide variant.
Coding change: c.3310G>C on transcript NM_052947.4 (MANE Select); coding-DNA position 3310, G replaced by C.
Protein change: p.Asp1104His; replaces aspartic acid 1104 with histidine.
Molecular consequence: missense variant.
Genome position (GRCh38, 1-based): chr18:58,536,877, C>G on the plus strand (G>C on the coding strand, the complement: ALPK2 is on the minus strand). VCF-style: chr18-58536877-C-G. GRCh37 (hg19) VCF-style: chr18-56204109-C-G.
Other names: short protein forms D1104H.
Identifiers: ClinVar variation 1730089 (VCV001730089.2), dbSNP rs577596399, ClinGen allele CA402568658.